The following is an entry in ClinVar:

ClinVar aggregate classification (germline): Uncertain significance (1 of 4 stars; one submission).

Conditions:
Cardiovascular phenotype. Identifiers: MedGen CN230736.

Allele frequency attached by ClinVar (database versions not stated): TOPMed below 0.00001.

Submission:

Ambry Genetics
Classification: Uncertain significance for Cardiovascular phenotype. Last evaluated: 2021-12-01. Review status: criteria provided, single submitter. Criteria: Ambry Variant Classification Scheme 2023. Collection method: clinical testing. Allele origin: germline.
Comment: The p.E3549D variant (also known as c.10647A>T), located in coding exon 74 of the RYR2 gene, results from an A to T substitution at nucleotide position 10647. The glutamic acid at codon 3549 is replaced by aspartic acid, an amino acid with highly similar properties. This amino acid position is not well conserved in available vertebrate species. In addition, this alteration is predicted to be tolerated by in silico analysis. Since supporting evidence is limited at this time, the clinical significance of this alteration remains unclear.

NM_001035.3(RYR2):c.10647A>T (p.Glu3549Asp)

Gene: RYR2 (ryanodine receptor 2; plus strand). Cytogenetic location: 1q43.
Variant type: single nucleotide variant.
Coding change: c.10647A>T on transcript NM_001035.3 (MANE Select); coding-DNA position 10647, A replaced by T.
Protein change: p.Glu3549Asp; replaces glutamic acid 3549 with aspartic acid.
Molecular consequence: missense variant.
Genome position (GRCh38, 1-based): chr1:237,723,220, A>T. VCF-style: chr1-237723220-A-T. GRCh37 (hg19) VCF-style: chr1-237886520-A-T.
Other names: short protein forms E3549D.
Identifiers: ClinVar variation 1781197 (VCV001781197.2), dbSNP rs1689898541, ClinGen allele CA064249.